The following is an entry in ClinVar:

NM_001035.3(RYR2):c.2906+111A>G

Gene: RYR2 (ryanodine receptor 2; plus strand). Cytogenetic location: 1q43.
Variant type: single nucleotide variant.
Coding change: c.2906+111A>G on transcript NM_001035.3 (MANE Select); 111 bases into the intron after coding-DNA position 2906, A replaced by G.
Molecular consequence: intron variant.
Genome position (GRCh38, 1-based): chr1:237,530,621, A>G. VCF-style: chr1-237530621-A-G. GRCh37 (hg19) VCF-style: chr1-237693921-A-G.
Identifiers: ClinVar variation 672071 (VCV000672071.2), dbSNP rs2779365, ClinGen allele CA10861582.

ClinVar aggregate classification (germline): Benign. Review status: criteria provided, multiple submitters, no conflicts (2 of 4 stars). 2 submissions from 2 submitters: Benign (2). Last evaluated 2018-06-15.

Allele frequency attached by ClinVar (database versions not stated): 1000 Genomes Project 30x 0.77514; 1000 Genomes Project 0.77556; gnomAD 0.78252 and 0.78292; TOPMed 0.78490; gnomAD exomes 0.80722.
gnomAD v4.1: 724,217 of 902,252 alleles (80%); highest among the groups gnomAD compares: East Asian, 91%; 292,047 homozygotes.

Submissions (2):

GeneDx
Classification: Benign. Last evaluated: 2018-06-15. Review status: criteria provided, single submitter. Criteria: GeneDx Variant Classification (06012015). Collection method: clinical testing. Allele origin: germline. Affected: yes.
Comment: This variant is considered likely benign or benign based on one or more of the following criteria: it is a conservative change, it occurs at a poorly conserved position in the protein, it is predicted to be benign by multiple in silico algorithms, and/or has population frequency not consistent with disease.

Breakthrough Genomics
Classification: Benign. Review status: criteria provided, single submitter. Criteria: ACMG Guidelines, 2015. Collection method: not provided. Allele origin: germline. Inheritance: Autosomal dominant inheritance. Affected: yes.